The following is an entry in ClinVar:

ClinVar aggregate classification (germline): Uncertain significance (1 of 4 stars; one submission).

Allele frequency attached by ClinVar (database versions not stated): gnomAD 0.00001; gnomAD exomes 0.00002; TOPMed 0.00002; ExAC 0.00003.
gnomAD v4.1: 33 of 1,612,462 alleles (0.002%); highest among the groups gnomAD compares: South Asian, 0.026%; no homozygotes.

Submission:

Labcorp Genetics (formerly Invitae), Labcorp
Classification: Uncertain significance. Last evaluated: 2023-06-27. Review status: criteria provided, single submitter. Criteria: Invitae Variant Classification Sherloc (09022015). Collection method: clinical testing. Allele origin: germline.
Comment: In summary, the available evidence is currently insufficient to determine the role of this variant in disease. Therefore, it has been classified as a Variant of Uncertain Significance. An algorithm developed to predict the effect of missense changes on protein structure and function (PolyPhen-2) suggests that this variant is likely to be disruptive. This variant has not been reported in the literature in individuals affected with COPB2-related conditions. This variant is present in population databases (rs773888231, gnomAD 0.03%). This sequence change replaces arginine, which is basic and polar, with cysteine, which is neutral and slightly polar, at codon 644 of the COPB2 protein (p.Arg644Cys).

NM_004766.3(COPB2):c.1930C>T (p.Arg644Cys)

Gene: COPB2 (coat protein complex I subunit beta 2; minus strand). Cytogenetic location: 3q23.
Variant type: single nucleotide variant.
Coding change: c.1930C>T on transcript NM_004766.3 (MANE Select); coding-DNA position 1930, C replaced by T.
Protein change: p.Arg644Cys; replaces arginine 644 with cysteine.
Molecular consequence: missense variant. On other transcripts: non-coding transcript variant (1).
Genome position (GRCh38, 1-based): chr3:139,362,472, G>A on the plus strand (C>T on the coding strand, the complement: COPB2 is on the minus strand). VCF-style: chr3-139362472-G-A. GRCh37 (hg19) VCF-style: chr3-139081314-G-A.
Other names: c.1843C>T, p.Arg615Cys (NM_001410834.1); short protein forms R615C, R644C.
Identifiers: ClinVar variation 2898832 (VCV002898832.3), dbSNP rs773888231, ClinGen allele CA2641163.